The following is an entry in ClinVar:

NM_006914.4(RORB):c.481G>A (p.Gly161Ser)

Gene: RORB (RAR related orphan receptor B; plus strand). Cytogenetic location: 9q21.13.
Variant type: single nucleotide variant.
Coding change: c.481G>A on transcript NM_006914.4 (MANE Select); coding-DNA position 481, G replaced by A.
Protein change: p.Gly161Ser; replaces glycine 161 with serine.
Molecular consequence: missense variant.
Genome position (GRCh38, 1-based): chr9:74,642,659, G>A. VCF-style: chr9-74642659-G-A. GRCh37 (hg19) VCF-style: chr9-77257575-G-A.
Other names: c.514G>A, p.Gly172Ser (NM_001365023.1); short protein forms G161S, G172S.
Identifiers: ClinVar variation 977390 (VCV000977390.10), dbSNP rs763192623, ClinGen allele CA5083381.

ClinVar aggregate classification (germline): Conflicting classifications of pathogenicity. Review status: criteria provided, conflicting classifications (1 of 4 stars). 3 submissions from 3 submitters: Uncertain significance (2); Likely benign (1). Last evaluated 2025-08-11.

Conditions:
Epilepsy, idiopathic generalized, susceptibility to, 15 (EIG15). Identifiers: MedGen C5193050, MONDO:0032699, OMIM 618357.
Inborn genetic diseases. Identifiers: MedGen C0950123, MeSH D030342.

Allele frequency attached by ClinVar (database versions not stated): ExAC 0.00001; gnomAD exomes 0.00002; gnomAD 0.00003 and 0.00004; TOPMed 0.00009.
gnomAD v4.1: 31 of 1,614,028 alleles (0.0019%); highest among the groups gnomAD compares: Admixed American, 0.0067%; no homozygotes.

Submissions (3):

Labcorp Genetics (formerly Invitae), Labcorp
Classification: Uncertain significance. Last evaluated: 2025-08-11. Review status: criteria provided, single submitter. Criteria: Invitae Variant Classification Sherloc (09022015). Collection method: clinical testing. Allele origin: germline.
Comment: This sequence change replaces glycine, which is neutral and non-polar, with serine, which is neutral and polar, at codon 161 of the RORB protein (p.Gly161Ser). This variant is present in population databases (rs763192623, gnomAD 0.007%). This variant has not been reported in the literature in individuals affected with RORB-related conditions. ClinVar contains an entry for this variant (Variation ID: 977390). An algorithm developed to predict the effect of missense changes on protein structure and function (PolyPhen-2) suggests that this variant is likely to be tolerated. In summary, the available evidence is currently insufficient to determine the role of this variant in disease. Therefore, it has been classified as a Variant of Uncertain Significance.

Ambry Genetics
Classification: Likely benign for Inborn genetic diseases. Last evaluated: 2025-02-28. Review status: criteria provided, single submitter. Criteria: Ambry Variant Classification Scheme 2023. Collection method: clinical testing. Allele origin: germline.

New York Genome Center
Classification: Uncertain significance for Epilepsy, idiopathic generalized, susceptibility to, 15. Last evaluated: 2019-11-12. Review status: criteria provided, single submitter. Criteria: NYGC Assertion Criteria 2020. Collection method: clinical testing. Allele origin: germline. Observed: 1 heterozygote. Study: CSER-NYCKidSeq.